The following is an entry in ClinVar:

ClinVar aggregate classification (germline): Uncertain significance (1 of 4 stars; one submission).

Conditions:
Inborn genetic diseases. Identifiers: MedGen C0950123, MeSH D030342.

Submission:

Ambry Genetics
Classification: Uncertain significance for Inborn genetic diseases. Last evaluated: 2026-03-12. Review status: criteria provided, single submitter. Criteria: Ambry Variant Classification Scheme 2023. Collection method: clinical testing. Allele origin: germline.
Comment: The p.S246R variant (also known as c.736A>C), located in coding exon 6 of the ANKRD26 gene, results from an A to C substitution at nucleotide position 736. The serine at codon 246 is replaced by arginine, an amino acid with dissimilar properties. This amino acid position is conserved. In addition, this alteration is predicted to be tolerated by in silico analysis. Based on the available evidence, the clinical significance of this variant remains unclear.

NM_014915.3(ANKRD26):c.736A>C (p.Ser246Arg)

Gene: ANKRD26 (ankyrin repeat domain 26; minus strand). Cytogenetic location: 10p12.1.
Variant type: single nucleotide variant.
Coding change: c.736A>C on transcript NM_014915.3 (MANE Select); coding-DNA position 736, A replaced by C.
Protein change: p.Ser246Arg; replaces serine 246 with arginine.
Molecular consequence: missense variant.
Genome position (GRCh38, 1-based): chr10:27,082,807, T>G on the plus strand (A>C on the coding strand, the complement: ANKRD26 is on the minus strand). VCF-style: chr10-27082807-T-G. GRCh37 (hg19) VCF-style: chr10-27371736-T-G.
Other names: c.736A>C, p.Ser246Arg (NM_001256053.2); short protein forms S246R.
Identifiers: ClinVar variation 4826434 (VCV004826434.1).
Genomic context (GRCh38, chr10:27,082,807, plus strand): 5'-AGTTTCTTTTCTCTGTATTCCTTTAAATATATTTTTAAAAATCTGTAAAATACTACCTGC[T>G]TAAGGAGTCTTCAGAGCTTTCATCCACTATTAAAGAGAAAAGTAAAACACACTTTAAATC-3'
Protein context (NP_055730.2, residues 236-256): SVDESSEDSL[Ser246Arg]RLSGKPGVDD